The following is an entry in ClinVar:

NM_207352.4(CYP4V2):c.*1148A>G

Genes: CYP4V2 (cytochrome P450 family 4 subfamily V member 2; plus strand), KLKB1 (kallikrein B1; plus strand). Cytogenetic location: 4q35.2.
Variant type: single nucleotide variant.
Coding change: c.*1148A>G on transcript NM_207352.4 (MANE Select); 1148 bases downstream of the stop codon, A replaced by G.
Molecular consequence: 3 prime UTR variant.
Genome position (GRCh38, 1-based): chr4:186,211,789, A>G. VCF-style: chr4-186211789-A-G. GRCh37 (hg19) VCF-style: chr4-187132943-A-G.
Identifiers: ClinVar variation 348349 (VCV000348349.6), dbSNP rs10011736, ClinGen allele CA10620640.

ClinVar aggregate classification (germline): Benign. Review status: criteria provided, multiple submitters, no conflicts (2 of 4 stars). 3 submissions from 2 submitters: Benign (3). Last evaluated 2018-01-13.

Conditions:
Bietti crystalline corneoretinal dystrophy (BCD). Also called: Bietti Crystalline Dystrophy; BIETTI TAPETORETINAL DEGENERATION WITH MARGINAL CORNEAL DYSTROPHY. Identifiers: Orphanet 41751, MedGen C1859486, MONDO:0008865, OMIM 210370.
Corneal dystrophy. Identifiers: Orphanet 34533, MedGen C0010036, MONDO:0018102, HP:0001131.

Allele frequency attached by ClinVar (database versions not stated): gnomAD 0.06980 and 0.07494; 1000 Genomes Project 0.07488; TOPMed 0.07801; 1000 Genomes Project 30x 0.08042.

Submissions (3):

Illumina Laboratory Services, Illumina
Classification: Benign for Bietti crystalline corneoretinal dystrophy. Last evaluated: 2018-01-13. Review status: criteria provided, single submitter. Criteria: ICSL Variant Classification Criteria 13 December 2019. Collection method: clinical testing. Allele origin: germline.
Comment: This variant was observed in the ICSL laboratory as part of a predisposition screen in an ostensibly healthy population. It had not been previously curated by ICSL or reported in the Human Gene Mutation Database (HGMD: prior to June 1st, 2018), and was therefore a candidate for classification through an automated scoring system. Utilizing variant allele frequency, disease prevalence and penetrance estimates, and inheritance mode, an automated score was calculated to assess if this variant is too frequent to cause the disease. Based on the score and internal cut-off values, a variant classified as benign is not then subjected to further curation. The score for this variant resulted in a classification of benign for this disease.

Illumina Laboratory Services, Illumina
Classification: Benign for Corneal dystrophy. Last evaluated: 2018-01-13. Review status: criteria provided, single submitter. Criteria: ICSL Variant Classification Criteria 13 December 2019. Collection method: clinical testing. Allele origin: germline.
Comment: the same text as in the submission from Illumina Laboratory Services, Illumina above.

Breakthrough Genomics
Classification: Benign. Review status: criteria provided, single submitter. Criteria: ACMG Guidelines, 2015. Collection method: not provided. Allele origin: germline. Inheritance: Autosomal recessive inheritance. Affected: yes.